The following is an entry in ClinVar:

NC_000002.11:g.(?_233201169)_(233201340_?)del

Gene: DIS3L2 (DIS3 like 3'-5' exoribonuclease 2; plus strand). Cytogenetic location: 2q37.1.
Variant type: Deletion.
Identifiers: ClinVar variation 1412793 (VCV001412793.6).

ClinVar aggregate classification (germline): Uncertain significance (1 of 4 stars; one submission).

Conditions:
Perlman syndrome (PRLMNS). Identifiers: Orphanet 2849, MedGen C0796113, MONDO:0009965, OMIM 267000.

Submission:

Labcorp Genetics (formerly Invitae), Labcorp
Classification: Uncertain significance for Perlman syndrome. Last evaluated: 2020-11-26. Review status: criteria provided, single submitter. Criteria: Invitae Variant Classification Sherloc (09022015). Collection method: clinical testing. Allele origin: germline.
Comment: In summary, the available evidence is currently insufficient to determine the role of this variant in disease. Therefore, it has been classified as a Variant of Uncertain Significance. This variant has not been reported in the literature in individuals with DIS3L2-related conditions. This variant is a gross deletion of the genomic region encompassing exon(s) 21 of the DIS3L2 gene. The 5' boundary is likely confined to intron 20. The 3' end of this event is unknown as it extends through the termination codon beyond the assayed region for this gene and may encompass additional genes. While this deletion is not anticipated to lead to nonsense mediated decay, it is expected to alter mRNA translation or result in a truncated protein product.